The following is an entry in ClinVar:

ClinVar aggregate classification (germline): Likely benign. Review status: criteria provided, multiple submitters, no conflicts (2 of 4 stars). 2 submissions from 2 submitters: Likely benign (2). Last evaluated 2025-12-09.

Conditions:
Desbuquois dysplasia 1 (DBQD1). Also called: DESBUQUOIS DYSPLASIA 1, KIM VARIANT; MICROMELIC DWARFISM WITH VERTEBRAL AND METAPHYSEAL ABNORMALITIES AND ADVANCED CARPOTARSAL OSSIFICATION. Identifiers: Orphanet 1425, MedGen C4012146, MONDO:0009629, OMIM 251450.
XYLT1-related disorder. Also called: XYLT1-related condition.

Allele frequency attached by ClinVar (database versions not stated): gnomAD exomes 0.00005 and 0.00025; gnomAD 0.00006 and 0.00007; TOPMed 0.00018; ExAC 0.00020.
gnomAD v4.1: 87 of 1,614,080 alleles (0.0054%); highest among the groups gnomAD compares: Admixed American, 0.13%; no homozygotes.

Submissions (2):

Labcorp Genetics (formerly Invitae), Labcorp
Classification: Likely benign for Desbuquois dysplasia 1. Last evaluated: 2025-12-09. Review status: criteria provided, single submitter. Criteria: Invitae Variant Classification Sherloc (09022015). Collection method: clinical testing. Allele origin: germline.

PreventionGenetics, part of Exact Sciences
Classification: Likely benign for XYLT1-related condition. Last evaluated: 2025-07-18. Review status: criteria provided, single submitter. Criteria: ACMG Guidelines, 2015. Collection method: clinical testing. Allele origin: germline.
Comment: This variant is classified as likely benign based on ACMG/AMP sequence variant interpretation guidelines (Richards et al. 2015 PMID: 25741868, with internal and published modifications).

NM_022166.4(XYLT1):c.1032C>T (p.Arg344=)

Gene: XYLT1 (xylosyltransferase 1; minus strand). Cytogenetic location: 16p12.3.
Variant type: single nucleotide variant.
Coding change: c.1032C>T on transcript NM_022166.4 (MANE Select); coding-DNA position 1032, C replaced by T.
Protein change: p.Arg344=; no amino-acid change (arginine 344 retained).
Molecular consequence: synonymous variant.
Genome position (GRCh38, 1-based): chr16:17,200,536, G>A on the plus strand (C>T on the coding strand, the complement: XYLT1 is on the minus strand). VCF-style: chr16-17200536-G-A. GRCh37 (hg19) VCF-style: chr16-17294393-G-A.
Other names: c.1032C>T (NM_022166.3).
Identifiers: ClinVar variation 1530599 (VCV001530599.9), dbSNP rs753990263, ClinGen allele CA7928040.